The following is an entry in ClinVar:

NM_001242896.3(DEPDC5):c.3907C>G (p.Leu1303Val)

Gene: DEPDC5 (DEP domain containing 5, GATOR1 subcomplex subunit; plus strand). Cytogenetic location: 22q12.3.
Variant type: single nucleotide variant.
Coding change: c.3907C>G on transcript NM_001242896.3 (MANE Select); coding-DNA position 3907, C replaced by G.
Protein change: p.Leu1303Val; replaces leucine 1303 with valine.
Molecular consequence: missense variant. On other transcripts: non-coding transcript variant (5).
Genome position (GRCh38, 1-based): chr22:31,879,626, C>G. VCF-style: chr22-31879626-C-G. GRCh37 (hg19) VCF-style: chr22-32275612-C-G.
Other names: c.3880C>G, p.Leu1294Val (NM_001136029.4); c.3607C>G, p.Leu1203Val (NM_001242897.2); c.3841C>G, p.Leu1281Val (NM_001363852.2, NM_001364320.2); c.3673C>G, p.Leu1225Val (NM_001363854.2, NM_001364319.2); c.3907C>G, p.Leu1303Val (NM_001364318.2); c.3823C>G, p.Leu1275Val (NM_001369901.1, NM_001369902.1); c.3814C>G, p.Leu1272Val (NM_001369903.1, NM_014662.6); short protein forms L1203V, L1294V, L1225V, L1272V, L1281V, L1275V, L1303V.
Identifiers: ClinVar variation 2720422 (VCV002720422.3), dbSNP rs2093120829, ClinGen allele CA411282267.

ClinVar aggregate classification (germline): Uncertain significance (1 of 4 stars; one submission).

Conditions:
Familial focal epilepsy with variable foci (FPEVF). Identifiers: Orphanet 98820, MedGen C1858477, MONDO:0020310.

Allele frequency attached by ClinVar (database versions not stated): gnomAD exomes below 0.00001; gnomAD 0.00001.
gnomAD v4.1: 2 of 1,613,970 alleles (0.00012%); highest among the groups gnomAD compares: Non-Finnish European, 0.00017%; no homozygotes.

Submission:

Labcorp Genetics (formerly Invitae), Labcorp
Classification: Uncertain significance for Familial focal epilepsy with variable foci. Last evaluated: 2023-09-19. Review status: criteria provided, single submitter. Criteria: Invitae Variant Classification Sherloc (09022015). Collection method: clinical testing. Allele origin: germline.
Comment: In summary, the available evidence is currently insufficient to determine the role of this variant in disease. Therefore, it has been classified as a Variant of Uncertain Significance. Experimental studies and prediction algorithms are not available or were not evaluated, and the functional significance of this variant is currently unknown. This variant has not been reported in the literature in individuals affected with DEPDC5-related conditions. This variant is not present in population databases (gnomAD no frequency). This sequence change replaces leucine, which is neutral and non-polar, with valine, which is neutral and non-polar, at codon 1303 of the DEPDC5 protein (p.Leu1303Val).